The following is an entry in ClinVar:

NM_001079668.3(NKX2-1):c.432C>A (p.Tyr144Ter)

Genes: NKX2-1 (NK2 homeobox 1; minus strand), SFTA3 (surfactant associated 3; minus strand). Cytogenetic location: 14q13.3.
Variant type: single nucleotide variant.
Coding change: c.432C>A on transcript NM_001079668.3 (MANE Select); coding-DNA position 432, C replaced by A.
Protein change: p.Tyr144Ter; replaces tyrosine 144 with a stop codon.
Molecular consequence: nonsense.
Genome position (GRCh38, 1-based): chr14:36,519,016, G>T on the plus strand (C>A on the coding strand, the complement: NKX2-1 is on the minus strand). VCF-style: chr14-36519016-G-T. GRCh37 (hg19) VCF-style: chr14-36988221-G-T.
Other names: c.342C>A, p.Tyr114Ter (NM_003317.4); c.432C>A (NM_001079668.2); short protein forms Y144*, Y114*.
Identifiers: ClinVar variation 870856 (VCV000870856.45), dbSNP rs775015070, ClinGen allele CA389460365.

ClinVar aggregate classification (germline): Pathogenic/Likely pathogenic. Review status: criteria provided, multiple submitters, no conflicts (2 of 4 stars). 3 submissions from 3 submitters: Pathogenic (2); Likely pathogenic (1). Last evaluated 2024-07-31.

Conditions:
Brain-lung-thyroid syndrome. Also called: CHOREOATHETOSIS AND CONGENITAL HYPOTHYROIDISM WITH PULMONARY DYSFUNCTION; Choreoathetosis, congenital hypothyroidism, and neonatal respiratory distress; Choreoathetosis, Congenital Hypothyroidism, and Neonatal Respiratory Distress Syndrome (Brain-Lung-Thyroid Syndrome). Identifiers: Orphanet 209905, MedGen C1970269, MONDO:0012593, OMIM 610978.

Submissions (3):

Labcorp Genetics (formerly Invitae), Labcorp
Classification: Pathogenic. Last evaluated: 2024-07-31. Review status: criteria provided, single submitter. Criteria: Invitae Variant Classification Sherloc (09022015). Collection method: clinical testing. Allele origin: germline.
Comment: This sequence change creates a premature translational stop signal (p.Tyr144*) in the NKX2-1 gene. While this is not anticipated to result in nonsense mediated decay, it is expected to disrupt the last 258 amino acid(s) of the NKX2-1 protein. This variant is not present in population databases (gnomAD no frequency). This premature translational stop signal has been observed in individual(s) with clinical features of NKX2-1 related conditions (PMID: 23430038, 33258288). ClinVar contains an entry for this variant (Variation ID: 870856). Algorithms developed to predict the effect of sequence changes on RNA splicing suggest that this variant may disrupt the consensus splice site. This variant disrupts a region of the NKX2-1 protein in which other variant(s) (p.Gln356*) have been determined to be pathogenic (Invitae). This suggests that this is a clinically significant region of the protein, and that variants that disrupt it are likely to be disease-causing. For these reasons, this variant has been classified as Pathogenic.

Molecular Diagnostics Lab, Nemours Children's Health, Delaware
Classification: Likely pathogenic for Brain-lung-thyroid syndrome. Last evaluated: 2020-03-09. Review status: criteria provided, single submitter. Criteria: ACMG Guidelines, 2015. Collection method: clinical testing. Allele origin: unknown. Inheritance: Autosomal dominant inheritance. Affected: yes. Observed: 1 heterozygote.

CeGaT Center for Human Genetics Tuebingen
Classification: Pathogenic. Last evaluated: 2016-12-01. Review status: criteria provided, single submitter. Criteria: CeGaT Center For Human Genetics Tuebingen Variant Classification Criteria Version 2. Collection method: clinical testing. Allele origin: germline. Affected: yes. Observed: 1 variant allele.

Literature cited by the submitters: PubMed 23430038 (cited by Labcorp Genetics (formerly Invitae), Labcorp and Molecular Diagnostics Lab, Nemours Children's Health, Delaware); PubMed 33258288 (cited by Labcorp Genetics (formerly Invitae), Labcorp); PubMed 24171694 (cited by Molecular Diagnostics Lab, Nemours Children's Health, Delaware); PubMed 24930029 (cited by Molecular Diagnostics Lab, Nemours Children's Health, Delaware).